The following is an entry in ClinVar:

ClinVar aggregate classification (germline): Conflicting classifications of pathogenicity. Review status: criteria provided, conflicting classifications (1 of 4 stars). 5 submissions from 5 submitters: Uncertain significance (4); Likely benign (1). Last evaluated 2026-04-02.

Conditions:
OTOF-related disorder. Also called: OTOF-related condition.

Allele frequency attached by ClinVar (database versions not stated): gnomAD exomes 0.00007; TOPMed 0.00004; ExAC 0.00006; gnomAD 0.00006 and 0.00005.

Submissions (5):

GeneDx
Classification: Uncertain significance. Last evaluated: 2026-04-02. Review status: criteria provided, single submitter. Criteria: GeneDx Variant Classification Process June 2021. Collection method: clinical testing. Allele origin: germline.
Comment: Observed in a patient with sensorineural hearing loss in published literature (PMID: 31486067); In silico analysis supports that this missense variant has a deleterious effect on protein structure/function; This variant is associated with the following publications: (PMID: 34426522, 31486067)

PreventionGenetics, part of Exact Sciences
Classification: Uncertain significance for OTOF-related condition. Last evaluated: 2025-07-27. Review status: criteria provided, single submitter. Criteria: ACMG Guidelines, 2015. Collection method: clinical testing. Allele origin: germline.
Comment: The OTOF c.2567A>T variant is predicted to result in the amino acid substitution p.Asn856Ile. This variant was reported along with a second potentially causative variant in an individual with hearing loss (Zou et al. 2020. PubMed ID: 31486067). This variant is reported in 0.10% of alleles in individuals of East Asian descent in gnomAD. At this time, the clinical significance of this variant is uncertain due to the absence of conclusive functional and genetic evidence.

Blueprint Genetics
Classification: Uncertain significance. Last evaluated: 2024-10-24. Review status: criteria provided, single submitter. Criteria: ACMG Guidelines, 2015. Collection method: clinical testing. Allele origin: germline.

Labcorp Genetics (formerly Invitae), Labcorp
Classification: Likely benign. Last evaluated: 2024-03-14. Review status: criteria provided, single submitter. Criteria: Invitae Variant Classification Sherloc (09022015). Collection method: clinical testing. Allele origin: germline.

ARUP Laboratories, Molecular Genetics and Genomics, ARUP Laboratories
Classification: Uncertain significance. Last evaluated: 2017-09-22. Review status: criteria provided, single submitter. Criteria: ARUP Molecular Germline Variant Investigation Process. Collection method: clinical testing. Allele origin: germline.
Comment: The c.2567A>T; p.Asn856Ile variant (rs752804141) has not been reported in the medical literature, nor has it been previously identified by our laboratory. This variant is listed in the Genome Aggregation Database (gnomAD) in the East Asian population with a frequency of 0.096 percent (identified on 18 out of 273,288 chromosomes). The asparagine at position 856 is moderately conserved considering 12 species (Alamut v2.9.0) and computational analyses of the effects of the p.Asn856Ile variant on protein structure and function indicate a deleterious effect (SIFT: damaging, MutationTaster: disease causing, PolyPhen-2: possibly damaging). Altogether, there is not enough evidence to classify the p.Asn856Ile variant with certainty.

NM_194248.3(OTOF):c.2567A>T (p.Asn856Ile)

Gene: OTOF (otoferlin; minus strand). Cytogenetic location: 2p23.3.
Variant type: single nucleotide variant.
Coding change: c.2567A>T on transcript NM_194248.3 (MANE Select); coding-DNA position 2567, A replaced by T.
Protein change: p.Asn856Ile; replaces asparagine 856 with isoleucine.
Molecular consequence: missense variant.
Genome position (GRCh38, 1-based): chr2:26,477,000, T>A on the plus strand (A>T on the coding strand, the complement: OTOF is on the minus strand). VCF-style: chr2-26477000-T-A. GRCh37 (hg19) VCF-style: chr2-26699868-T-A.
Other names: c.2567A>T, p.Asn856Ile (NM_001287489.2); c.326A>T, p.Asn109Ile (NM_004802.4, NM_194323.3); c.497A>T, p.Asn166Ile (NM_194322.3); short protein forms N856I, N166I, N109I.
Identifiers: ClinVar variation 618774 (VCV000618774.16), dbSNP rs752804141, ClinGen allele CA1563850.